The following is an entry in ClinVar:

NM_001379081.2(FREM1):c.5059+1G>A

Gene: FREM1 (FRAS1 related extracellular matrix 1; minus strand). Cytogenetic location: 9p22.3.
Variant type: single nucleotide variant.
Coding change: c.5059+1G>A on transcript NM_001379081.2 (MANE Select); the canonical splice donor site of the intron after coding-DNA position 5059, G replaced by A.
Molecular consequence: splice donor variant.
Genome position (GRCh38, 1-based): chr9:14,770,604, C>T on the plus strand (G>A on the coding strand, the complement: FREM1 is on the minus strand). VCF-style: chr9-14770604-C-T. GRCh37 (hg19) VCF-style: chr9-14770602-C-T.
Other names: c.5059+1G>A (NM_144966.7); c.667+1G>A (NM_001370061.2, NM_001370058.2, NM_001177704.3).
Identifiers: ClinVar variation 4532124 (VCV004532124.2).

ClinVar aggregate classification (germline): Likely pathogenic. Review status: criteria provided, multiple submitters, no conflicts (2 of 4 stars). 2 submissions from 2 submitters: Likely pathogenic (2). Last evaluated 2025-03-06.

Conditions:
BNAR syndrome. Also called: Bifid Nose With or Without Anorectal and Renal Anomalies (BNAR) Syndrome. Identifiers: Orphanet 217266, MedGen C2750433, MONDO:0012165, OMIM 608980.
FREM1-related disorder. Also called: FREM1-related condition; FREM1-Related Disorders.

gnomAD v4.1: 24 of 1,607,700 alleles (0.0015%); highest among the groups gnomAD compares: South Asian, 0.025%; no homozygotes.

Submissions (2):

Victorian Clinical Genetics Services, Murdoch Childrens Research Institute
Classification: Likely pathogenic for BNAR syndrome. Last evaluated: 2025-03-06. Review status: criteria provided, single submitter. Criteria: ACMG Guidelines, 2015. Collection method: clinical testing. Allele origin: germline.
Comment: This variant is classified as Likely pathogenic. Evidence in support of pathogenic classification: Canonical splice site variant without proven consequence on splicing (no functional evidence available); Variant is present in gnomAD <0.01 (v4: 24 heterozygote(s), 0 homozygote(s)); Abnormal splicing is predicted by in silico tool and affected nucleotide is highly conserved. Additional information: This variant is heterozygous; This gene is associated with both recessive and dominant disease. Bifid nose with or without anorectal and renal anomalies (MIM#608980) and Manitoba oculotrichoanal syndrome (MIM#248450) are associated with autosomal recessive disease, while trigonocephaly 2 (MIM#614485) is associated with autosomal dominant disease; Alternative nucleotide change(s) at the same canonical splice site are present in gnomAD (highest allele count: v4: 1 heterozygote(s), 0 homozygote(s)); This variant has no previous evidence of pathogenicity; No published segregation evidence has been identified for this variant; No published functional evidence has been identified for this variant; No comparable splice variants have previous evidence for pathogenicity; Loss of function is a known mechanism of disease in this gene and is associated with bifid nose with or without anorectal and renal anomalies (MIM#608980), Manitoba oculotrichoanal syndrome (MIM#248450) and trigonocephaly 2 (MIM#614485); Variants in this gene are known to have variable expressivity (PMID: 28111185, 36503923).

Blueprint Genetics
Classification: Likely pathogenic for FREM1-related disorders. Last evaluated: 2019-08-23. Review status: criteria provided, single submitter. Criteria: ACMG Guidelines, 2015. Collection method: clinical testing. Allele origin: germline. Affected: yes. Observed: 3 variant alleles.

Literature cited by the submitters: PubMed 36503923 (cited by Victorian Clinical Genetics Services, Murdoch Childrens Research Institute); PubMed 28111185 (cited by Victorian Clinical Genetics Services, Murdoch Childrens Research Institute).